The following is an entry in ClinVar:

NM_000129.4(F13A1):c.232C>T (p.Arg78Cys)

Gene: F13A1 (coagulation factor XIII A chain; minus strand). Cytogenetic location: 6p25.1.
Variant type: single nucleotide variant.
Coding change: c.232C>T on transcript NM_000129.4 (MANE Select); coding-DNA position 232, C replaced by T.
Protein change: p.Arg78Cys; replaces arginine 78 with cysteine.
Molecular consequence: missense variant.
Genome position (GRCh38, 1-based): chr6:6,305,438, G>A on the plus strand (C>T on the coding strand, the complement: F13A1 is on the minus strand). VCF-style: chr6-6305438-G-A. GRCh37 (hg19) VCF-style: chr6-6305671-G-A.
Other names: short protein forms R78C.
Identifiers: ClinVar variation 2683978 (VCV002683978.5), dbSNP rs760818476, ClinGen allele CA134400220.

ClinVar aggregate classification (germline): Pathogenic/Likely pathogenic. Review status: criteria provided, multiple submitters, no conflicts (2 of 4 stars). 3 submissions from 3 submitters: Pathogenic (1); Likely pathogenic (1). 1 of the submissions does not count toward it. Last evaluated 2026-03-31.

Conditions:
Factor XIII, A subunit, deficiency of. Also called: Factor XIII subunit A deficiency. Identifiers: Orphanet 331, MedGen C2750514, MONDO:0013187, OMIM 613225, HP:0040233.
F13A1-related disorder. Also called: F13A1-related condition.

Allele frequency attached by ClinVar (database versions not stated): gnomAD exomes 0.00007; gnomAD 0.00001; TOPMed 0.00002.
gnomAD v4.1: 101 of 1,614,054 alleles (0.0063%); highest among the groups gnomAD compares: Non-Finnish European, 0.0082%; no homozygotes.

Submissions (3):

Dasa
Classification: Likely pathogenic. Last evaluated: 2026-03-31. Review status: criteria provided, single submitter. Criteria: DASA Assertion Criteria. Collection method: clinical testing. Allele origin: germline.
Comment: NM_000129.4(F13A1):c.232C>T (p.Arg78Cys) is a missense variant that results in the substitution of arginine with cysteine. This variant has been recurrently observed in individuals with F13A1-related disorders (PMID: 28520207; PMID: 26852661; PMID: 17880458; PMID: 39675565). Also, this variant is rare in population databases. Computational evidence supports a deleterious effect. Based on the currently available evidence, this variant is classified as likely pathogenic.

MVZ Martinsried, Medicover Genetics
Classification: Pathogenic for Factor XIII, A subunit, deficiency of. Last evaluated: 2023-10-27. Review status: criteria provided, single submitter. Criteria: ACGS Guidelines, 2020. Collection method: clinical testing. Allele origin: unknown. Affected: yes.

PreventionGenetics, part of Exact Sciences
Classification: Likely pathogenic for F13A1-related condition. Last evaluated: 2023-12-26. Review status: no assertion criteria provided. Collection method: clinical testing. Allele origin: germline. Not counted in ClinVar's aggregate classification.
Comment: The F13A1 c.232C>T variant is predicted to result in the amino acid substitution p.Arg78Cys. This variant, also reported as p.Arg77Cys using legacy nomenclature, has been reported in the homozygous state in an individual with Factor XIII deficiency (Duan et al. 2002. PubMed ID: 12015062). A different missense substitution at this same codon (p.Arg78His) has also been reported to cause factor XIII deficiency (Peyvandi et al. 2004. PubMed ID: 14695539) suggesting that substitution of amino acid residue Arg78 is not tolerated. This variant is reported in 0.0050% of alleles in individuals of East Asian descent in gnomAD. This variant is interpreted as likely pathogenic.

Literature cited by the submitters: PubMed 28520207 (cited by Dasa); PubMed 26852661 (cited by Dasa); PubMed 17880458 (cited by Dasa); PubMed 39675565 (cited by Dasa).